The following is an entry in ClinVar:

ClinVar aggregate classification (germline): Uncertain significance. Review status: criteria provided, multiple submitters, no conflicts (2 of 4 stars). 3 submissions from 2 submitters: Uncertain significance (3). Last evaluated 2023-12-15.

Conditions:
Inborn genetic diseases. Identifiers: MedGen C0950123, MeSH D030342.
Pancreatic adenocarcinoma. Identifiers: MedGen C0281361, MONDO:0006047, HP:0006725.
Hereditary cancer-predisposing syndrome. Also called: Hereditary neoplastic syndrome; Neoplastic Syndromes, Hereditary; Tumor predisposition; Hereditary Cancer Syndrome. Identifiers: Orphanet 140162, MedGen C0027672, MeSH D009386, MONDO:0015356.

Allele frequency attached by ClinVar (database versions not stated): gnomAD 0.00001; gnomAD exomes 0.00002.
gnomAD v4.1: 8 of 1,608,168 alleles (0.0005%); highest among the groups gnomAD compares: Admixed American, 0.014%; no homozygotes.

Submissions (3):

Labcorp Genetics (formerly Invitae), Labcorp
Classification: Uncertain significance for Pancreatic adenocarcinoma. Last evaluated: 2023-12-15. Review status: criteria provided, single submitter. Criteria: Invitae Variant Classification Sherloc (09022015). Collection method: clinical testing. Allele origin: germline.
Comment: This sequence change replaces glutamine, which is neutral and polar, with glutamic acid, which is acidic and polar, at codon 458 of the PALLD protein (p.Gln458Glu). This variant is present in population databases (no rsID available, gnomAD 0.01%). This variant has not been reported in the literature in individuals affected with PALLD-related conditions. ClinVar contains an entry for this variant (Variation ID: 946436). An algorithm developed to predict the effect of missense changes on protein structure and function (PolyPhen-2) suggests that this variant is likely to be tolerated. In summary, the available evidence is currently insufficient to determine the role of this variant in disease. Therefore, it has been classified as a Variant of Uncertain Significance.

Ambry Genetics
Classification: Uncertain significance for Inborn genetic diseases. Last evaluated: 2022-04-12. Review status: criteria provided, single submitter. Criteria: Ambry General Variant Classification Scheme_2022. Collection method: clinical testing. Allele origin: germline. Observed: 1 variant allele.

Ambry Genetics
Classification: Uncertain significance for Hereditary cancer-predisposing syndrome. Last evaluated: 2021-08-09. Review status: criteria provided, single submitter. Criteria: Ambry General Variant Classification Scheme_2022. Collection method: clinical testing. Allele origin: germline. Observed: 1 variant allele.
Comment: The p.Q945E variant (also known as c.2833C>G), located in coding exon 16 of the PALLD gene, results from a C to G substitution at nucleotide position 2833. The glutamine at codon 945 is replaced by glutamic acid, an amino acid with highly similar properties. This amino acid position is conserved. In addition, this alteration is predicted to be tolerated by in silico analysis. Since supporting evidence is limited at this time, the clinical significance of this alteration remains unclear.

NM_001166108.2(PALLD):c.2884C>G (p.Gln962Glu)

Genes: PALLD (palladin, cytoskeletal associated protein; plus strand), CBR4 (carbonyl reductase 4; minus strand). Cytogenetic location: 4q32.3.
Variant type: single nucleotide variant.
Coding change: c.2884C>G on transcript NM_001166108.2 (MANE Select); coding-DNA position 2884, C replaced by G.
Protein change: p.Gln962Glu; replaces glutamine 962 with glutamic acid.
Molecular consequence: missense variant.
Genome position (GRCh38, 1-based): chr4:168,921,567, C>G. VCF-style: chr4-168921567-C-G. GRCh37 (hg19) VCF-style: chr4-169842718-C-G.
Other names: c.1687C>G, p.Gln563Glu (NM_001166109.2); c.1372C>G, p.Gln458Glu (NM_001166110.2); c.712C>G, p.Gln238Glu (NM_001367567.1, NM_001367569.1); c.763C>G, p.Gln255Glu (NM_001367568.1, NM_001367570.1); c.2833C>G, p.Gln945Glu (NM_016081.4); short protein forms Q458E, Q945E, Q962E, Q238E, Q255E, Q563E.
Identifiers: ClinVar variation 946436 (VCV000946436.11), dbSNP rs1271164196, ClinGen allele CA358708454.